The following is an entry in ClinVar:

NM_001139501.2(FGF13):c.-157C>G

Gene: FGF13 (fibroblast growth factor 13; minus strand). Cytogenetic location: Xq27.1.
Variant type: single nucleotide variant.
Coding change: c.-157C>G on transcript NM_001139501.2; 157 bases upstream of the start codon, C replaced by G.
Molecular consequence: 5 prime UTR variant. On other transcripts: missense variant (2).
Genome position (GRCh38, 1-based): chrX:139,204,067, G>C on the plus strand (C>G on the coding strand, the complement: FGF13 is on the minus strand). VCF-style: chrX-139204067-G-C. GRCh37 (hg19) VCF-style: chrX-138286229-G-C.
Other names: c.41C>G, p.Ala14Gly (NM_001139498.2, NM_001139500.2); short protein forms A14G.
Identifiers: ClinVar variation 4822205 (VCV004822205.4).

ClinVar aggregate classification (germline): Likely benign (1 of 4 stars; one submission).

gnomAD v4.1: 15 of 1,209,433 alleles (0.0012%); highest among the groups gnomAD compares: South Asian, 0.0053%; no homozygotes.

Submission:

CeGaT Center for Human Genetics Tuebingen
Classification: Likely benign. Last evaluated: 2026-04-01. Review status: criteria provided, single submitter. Criteria: CeGaT Center For Human Genetics Tuebingen Variant Classification Criteria Version 2. Collection method: clinical testing. Allele origin: germline. Affected: yes. Observed: 1 variant allele.
Comment: FGF13: BS2